The following is an entry in ClinVar:

ClinVar aggregate classification (germline): Uncertain significance (1 of 4 stars; one submission).

Submission:

Labcorp Genetics (formerly Invitae), Labcorp
Classification: Uncertain significance. Last evaluated: 2023-12-11. Review status: criteria provided, single submitter. Criteria: Invitae Variant Classification Sherloc (09022015). Collection method: clinical testing. Allele origin: germline.
Comment: This sequence change replaces histidine, which is basic and polar, with arginine, which is basic and polar, at codon 468 of the KMT2A protein (p.His468Arg). This variant is not present in population databases (gnomAD no frequency). This variant has not been reported in the literature in individuals affected with KMT2A-related conditions. Advanced modeling of protein sequence and biophysical properties (such as structural, functional, and spatial information, amino acid conservation, physicochemical variation, residue mobility, and thermodynamic stability) has been performed at Invitae for this missense variant, however the output from this modeling did not meet the statistical confidence thresholds required to predict the impact of this variant on KMT2A protein function. In summary, the available evidence is currently insufficient to determine the role of this variant in disease. Therefore, it has been classified as a Variant of Uncertain Significance.

NM_001197104.2(KMT2A):c.1403A>G (p.His468Arg)

Gene: KMT2A (lysine methyltransferase 2A; plus strand). Cytogenetic location: 11q23.3.
Variant type: single nucleotide variant.
Coding change: c.1403A>G on transcript NM_001197104.2 (MANE Select); coding-DNA position 1403, A replaced by G.
Protein change: p.His468Arg; replaces histidine 468 with arginine.
Molecular consequence: missense variant.
Genome position (GRCh38, 1-based): chr11:118,472,562, A>G. VCF-style: chr11-118472562-A-G. GRCh37 (hg19) VCF-style: chr11-118343277-A-G.
Other names: c.1502A>G, p.His501Arg (NM_001412597.1); c.1403A>G, p.His468Arg (NM_005933.4); short protein forms H501R, H468R.
Identifiers: ClinVar variation 2751427 (VCV002751427.3), dbSNP rs2134261702, ClinGen allele CA382810041.